The following is an entry in ClinVar:

ClinVar aggregate classification (germline): Likely pathogenic. Review status: criteria provided, single submitter (1 of 4 stars). 2 submissions from 2 submitters: Likely pathogenic (1). 1 of the submissions does not count toward it. Last evaluated 2023-11-30.

Conditions:
Autosomal recessive Alport syndrome (ATS2). Also called: Alport syndrome type 2; ALPORT SYNDROME 2, AUTOSOMAL RECESSIVE; COL4A3-Related Nephropathy; COL4A4 Alport Syndrome and Thin Basement Membrane Nephropathy. Identifiers: Orphanet 63, Orphanet 88919, MedGen C4746745, MONDO:0008762, OMIM 203780.

Allele frequency attached by ClinVar (database versions not stated): gnomAD exomes below 0.00001.
gnomAD v4.1: 1 of 1,612,506 alleles (0.000062%); highest among the groups gnomAD compares: Non-Finnish European, 0.000085%; no homozygotes.

Submissions (2):

Labcorp Genetics (formerly Invitae), Labcorp
Classification: Likely pathogenic. Last evaluated: 2023-11-30. Review status: criteria provided, single submitter. Criteria: Invitae Variant Classification Sherloc (09022015). Collection method: clinical testing. Allele origin: germline.
Comment: This sequence change affects a donor splice site in intron 11 of the COL4A3 gene. It is expected to disrupt RNA splicing. Variants that disrupt the donor or acceptor splice site typically lead to a loss of protein function (PMID: 16199547), and loss-of-function variants in COL4A3 are known to be pathogenic (PMID: 8956999, 24854265, 26809805, 27281700). This variant is not present in population databases (gnomAD no frequency). Disruption of this splice site has been observed in individual(s) with Alport syndrome (PMID: 22887978). ClinVar contains an entry for this variant (Variation ID: 557799). Algorithms developed to predict the effect of sequence changes on RNA splicing suggest that this variant may disrupt the consensus splice site. In summary, the currently available evidence indicates that the variant is pathogenic, but additional data are needed to prove that conclusively. Therefore, this variant has been classified as Likely Pathogenic.

Counsyl
Classification: Likely pathogenic for Autosomal recessive Alport syndrome. Last evaluated: 2018-04-06. Review status: no assertion criteria provided. Collection method: clinical testing. Allele origin: unknown. Not counted in ClinVar's aggregate classification.

Literature cited by the submitters: PubMed 16199547 (cited by Labcorp Genetics (formerly Invitae), Labcorp); PubMed 8956999 (cited by Labcorp Genetics (formerly Invitae), Labcorp); PubMed 24854265 (cited by Labcorp Genetics (formerly Invitae), Labcorp); PubMed 26809805 (cited by Labcorp Genetics (formerly Invitae), Labcorp); PubMed 27281700 (cited by Labcorp Genetics (formerly Invitae), Labcorp); PubMed 22887978 (cited by Labcorp Genetics (formerly Invitae), Labcorp and Counsyl).

NM_000091.5(COL4A3):c.645+2T>C

Genes: COL4A3 (collagen type IV alpha 3 chain; plus strand), MFF-DT (MFF divergent transcript; minus strand). Cytogenetic location: 2q36.3.
Variant type: single nucleotide variant.
Coding change: c.645+2T>C on transcript NM_000091.5 (MANE Select); the canonical splice donor site of the intron after coding-DNA position 645, T replaced by C.
Molecular consequence: splice donor variant.
Genome position (GRCh38, 1-based): chr2:227,251,373, T>C. VCF-style: chr2-227251373-T-C. GRCh37 (hg19) VCF-style: chr2-228116089-T-C.
Identifiers: ClinVar variation 557799 (VCV000557799.5), dbSNP rs1553752199, ClinGen allele CA350864095.
Genomic context (GRCh38, chr2:227,251,373, plus strand): 5'-TTTTCATTTGTGGATTTTTCTAGGGCTTTCCAGGAGCCATGGGACCTAGAGGACCTAAGG[T>C]AGACTACAGTTCATATGATGTAACAGCTAGCACACCCTACTCAATCTCAAAGCCAAACCT-3'